The following is an entry in ClinVar:

NM_199420.4(POLQ):c.1957C>G (p.Leu653Val)

Gene: POLQ (DNA polymerase theta; minus strand). Cytogenetic location: 3q13.33.
Variant type: single nucleotide variant.
Coding change: c.1957C>G on transcript NM_199420.4 (MANE Select); coding-DNA position 1957, C replaced by G.
Protein change: p.Leu653Val; replaces leucine 653 with valine.
Molecular consequence: missense variant.
Genome position (GRCh38, 1-based): chr3:121,509,563, G>C on the plus strand (C>G on the coding strand, the complement: POLQ is on the minus strand). VCF-style: chr3-121509563-G-C. GRCh37 (hg19) VCF-style: chr3-121228410-G-C.
Other names: short protein forms L653V.
Identifiers: ClinVar variation 3308726 (VCV003308726.1).

ClinVar aggregate classification (germline): Uncertain significance (1 of 4 stars; one submission).

Submission:

Ambry Genetics
Classification: Uncertain significance. Last evaluated: 2024-06-09. Review status: criteria provided, single submitter. Criteria: Ambry Variant Classification Scheme 2023. Collection method: clinical testing. Allele origin: germline.
Comment: The p.L653V variant (also known as c.1957C>G), located in coding exon 12 of the POLQ gene, results from a C to G substitution at nucleotide position 1957. The leucine at codon 653 is replaced by valine, an amino acid with highly similar properties. This amino acid position is conserved. In addition, this alteration is predicted to be tolerated by in silico analysis. Based on the available evidence, the clinical significance of this variant remains unclear.